The following is an entry in ClinVar:

NM_001204077.2(UBE4A):c.1971C>T (p.Val657=)

Genes: UBE4A (ubiquitination factor E4A; plus strand), LOC100131626 (uncharacterized LOC100131626; minus strand). Cytogenetic location: 11q23.3.
Variant type: single nucleotide variant.
Coding change: c.1971C>T on transcript NM_001204077.2 (MANE Select); coding-DNA position 1971, C replaced by T.
Protein change: p.Val657=; no amino-acid change (valine 657 retained).
Molecular consequence: synonymous variant. On other transcripts: non-coding transcript variant (2).
Genome position (GRCh38, 1-based): chr11:118,381,485, C>T. VCF-style: chr11-118381485-C-T. GRCh37 (hg19) VCF-style: chr11-118252200-C-T.
Other names: c.1992C>T, p.Val664= (NM_004788.4).
Identifiers: ClinVar variation 4875047 (VCV004875047.2).

ClinVar aggregate classification (germline): Likely benign (1 of 4 stars; one submission).

Submission:

CeGaT Center for Human Genetics Tuebingen
Classification: Likely benign. Last evaluated: 2026-06-01. Review status: criteria provided, single submitter. Criteria: CeGaT Center For Human Genetics Tuebingen Variant Classification Criteria Version 2. Collection method: clinical testing. Allele origin: germline. Affected: yes. Observed: 1 variant allele.
Comment: UBE4A: BP4, BP7